The following is an entry in ClinVar:

ClinVar aggregate classification (germline): Uncertain significance (1 of 4 stars; one submission).

Conditions:
Intellectual developmental disorder, autosomal dominant 1. Also called: Intellectual disability, autosomal dominant 1; MBD5 Haploinsufficiency. Identifiers: Orphanet 228402, MedGen C1969562, MONDO:0007974, OMIM 156200.

Allele frequency attached by ClinVar (database versions not stated): gnomAD exomes below 0.00001; TOPMed 0.00001.
gnomAD v4.1: 2 of 1,613,912 alleles (0.00012%); highest among the groups gnomAD compares: Non-Finnish European, 0.00017%; no homozygotes.

Submission:

Labcorp Genetics (formerly Invitae), Labcorp
Classification: Uncertain significance for Intellectual developmental disorder, autosomal dominant 1. Last evaluated: 2023-04-17. Review status: criteria provided, single submitter. Criteria: Invitae Variant Classification Sherloc (09022015). Collection method: clinical testing. Allele origin: germline.
Comment: In summary, the available evidence is currently insufficient to determine the role of this variant in disease. Therefore, it has been classified as a Variant of Uncertain Significance. Advanced modeling of protein sequence and biophysical properties (such as structural, functional, and spatial information, amino acid conservation, physicochemical variation, residue mobility, and thermodynamic stability) performed at Invitae indicates that this missense variant is not expected to disrupt MBD5 protein function. ClinVar contains an entry for this variant (Variation ID: 1061225). This variant has not been reported in the literature in individuals affected with MBD5-related conditions. This variant is not present in population databases (gnomAD no frequency). This sequence change replaces methionine, which is neutral and non-polar, with isoleucine, which is neutral and non-polar, at codon 623 of the MBD5 protein (p.Met623Ile).

NM_001378120.1(MBD5):c.1869G>A (p.Met623Ile)

Gene: MBD5 (methyl-CpG binding domain protein 5; plus strand). Cytogenetic location: 2q23.1.
Variant type: single nucleotide variant.
Coding change: c.1869G>A on transcript NM_001378120.1 (MANE Select); coding-DNA position 1869, G replaced by A.
Protein change: p.Met623Ile; replaces methionine 623 with isoleucine.
Molecular consequence: missense variant.
Genome position (GRCh38, 1-based): chr2:148,469,812, G>A. VCF-style: chr2-148469812-G-A. GRCh37 (hg19) VCF-style: chr2-149227381-G-A.
Other names: c.1869G>A, p.Met623Ile (NM_018328.5); short protein forms M623I.
Identifiers: ClinVar variation 1061225 (VCV001061225.9), dbSNP rs1680731400, ClinGen allele CA348720617.
Genomic context (GRCh38, chr2:148,469,812, plus strand): 5'-CAATTCTGGAGCTGTTGCCGGCAGTGGCAACACTGAAGGACATAGCACTTTAAACACCAT[G>A]TTCCCTCCTACTGCCAACATGCTTCTCCCAACAGGTGAAGGGCAAAGTGGTCGAGCAGCA-3'
Protein context (NP_001365049.1, residues 613-633): NTEGHSTLNT[Met623Ile]FPPTANMLLP